The following is an entry in ClinVar:

ClinVar aggregate classification (germline): Uncertain significance (1 of 4 stars; one submission).

Conditions:
Maturity-onset diabetes of the young (MODY). Also called: Maturity onset diabetes mellitus in young. Identifiers: Orphanet 552, MedGen C0342276, MONDO:0018911, HP:0004904.

Submission:

Clinical Genomics, Uppaluri K&H Personalized Medicine Clinic
Classification: Uncertain significance for Maturity-onset diabetes of the young. Review status: criteria provided, single submitter. Criteria: K & H Uppaluri Personalized Medicine Clinic Variant Classification & Assertion Criteria_Updated V.1. Collection method: research. Allele origin: unknown. Inheritance: Autosomal dominant inheritance.
Comment: Potent mutations in HNF4A are associated with poor insulin secretion in response to hyperglycemia. Associated with MODY1. Patients initially respond well to sulfonylureas but eventually become insulin dependent. However, more evidence is required to ascertain the role of this particular variant rs886056695 in MODY, yet.

Literature cited by the submitters: DOI 10.1159/000334532; PubMed 18268044; PubMed 17563455; PubMed 32583173; PubMed 35052457; PubMed 35118593.

NM_175914.5(HNF4A):c.*2679del

Gene: HNF4A (hepatocyte nuclear factor 4 alpha; plus strand). Cytogenetic location: 20q13.12.
Variant type: Deletion.
Coding change: c.*2679del on transcript NM_175914.5 (MANE Select); 2679 bases downstream of the stop codon, one base deleted (C; older notation c.*2679delC).
Molecular consequence: 3 prime UTR variant.
Genome position (GRCh38, 1-based): chr20:44,432,344, C deleted. VCF-style (leftmost placement, unchanged base first): chr20-44432343-TC-T. GRCh37 (hg19) VCF-style: chr20-43060983-TC-T.
Other names: c.*2679del (NM_000457.6, NM_001030003.3, NM_001258355.2 and 3 more transcripts).
Identifiers: ClinVar variation 338480 (VCV000338480.6), dbSNP rs886056695, ClinGen allele CA10653133.